The following is an entry in ClinVar:

ClinVar aggregate classification (germline): Uncertain significance (1 of 4 stars; one submission).

Submission:

Labcorp Genetics (formerly Invitae), Labcorp
Classification: Uncertain significance. Last evaluated: 2022-07-12. Review status: criteria provided, single submitter. Criteria: Invitae Variant Classification Sherloc (09022015). Collection method: clinical testing. Allele origin: germline.
Comment: In summary, the available evidence is currently insufficient to determine the role of this variant in disease. Therefore, it has been classified as a Variant of Uncertain Significance. Algorithms developed to predict the effect of missense changes on protein structure and function are either unavailable or do not agree on the potential impact of this missense change (SIFT: "Deleterious"; PolyPhen-2: "Probably Damaging"; Align-GVGD: "Class C0"). This variant has not been reported in the literature in individuals affected with XYLT2-related conditions. This variant is not present in population databases (gnomAD no frequency). This sequence change replaces leucine, which is neutral and non-polar, with arginine, which is basic and polar, at codon 787 of the XYLT2 protein (p.Leu787Arg).

NM_022167.4(XYLT2):c.2360T>G (p.Leu787Arg)

Gene: XYLT2 (xylosyltransferase 2; plus strand). Cytogenetic location: 17q21.33.
Variant type: single nucleotide variant.
Coding change: c.2360T>G on transcript NM_022167.4 (MANE Select); coding-DNA position 2360, T replaced by G.
Protein change: p.Leu787Arg; replaces leucine 787 with arginine.
Molecular consequence: missense variant.
Genome position (GRCh38, 1-based): chr17:50,360,053, T>G. VCF-style: chr17-50360053-T-G. GRCh37 (hg19) VCF-style: chr17-48437414-T-G.
Other names: short protein forms L787R.
Identifiers: ClinVar variation 2056325 (VCV002056325.4), dbSNP rs2543963400, ClinGen allele CA400215426.
Genomic context (GRCh38, chr17:50,360,053, plus strand): 5'-GGCCACCCCACAACGAGTACATGGAGCAGAGTTTCCAGGGCCTGAGTAGCATCCTGAACC[T>G]GCCTCAGCCGGAGCTCGCGGAGGAGGCTGCCCAGCGGCACACACAGCTCACAGGCCCTGC-3'
Protein context (NP_071450.2, residues 777-797): SFQGLSSILN[Leu787Arg]PQPELAEEAA